The following is an entry in ClinVar:

ClinVar aggregate classification (germline): Uncertain significance (1 of 4 stars; one submission).

Submission:

Labcorp Genetics (formerly Invitae), Labcorp
Classification: Uncertain significance. Last evaluated: 2024-08-05. Review status: criteria provided, single submitter. Criteria: Invitae Variant Classification Sherloc (09022015). Collection method: clinical testing. Allele origin: germline.
Comment: This sequence change replaces alanine, which is neutral and non-polar, with threonine, which is neutral and polar, at codon 869 of the EMC1 protein (p.Ala869Thr). This variant is not present in population databases (gnomAD no frequency). This variant has not been reported in the literature in individuals affected with EMC1-related conditions. Advanced modeling of protein sequence and biophysical properties (such as structural, functional, and spatial information, amino acid conservation, physicochemical variation, residue mobility, and thermodynamic stability) performed at Invitae indicates that this missense variant is expected to disrupt EMC1 protein function with a positive predictive value of 80%. In summary, the available evidence is currently insufficient to determine the role of this variant in disease. Therefore, it has been classified as a Variant of Uncertain Significance.

NM_015047.3(EMC1):c.2605G>A (p.Ala869Thr)

Genes: EMC1 (ER membrane protein complex subunit 1; minus strand), EMC1-AS1 (EMC1 antisense RNA 1; plus strand). Cytogenetic location: 1p36.13.
Variant type: single nucleotide variant.
Coding change: c.2605G>A on transcript NM_015047.3 (MANE Select); coding-DNA position 2605, G replaced by A.
Protein change: p.Ala869Thr; replaces alanine 869 with threonine.
Molecular consequence: missense variant.
Genome position (GRCh38, 1-based): chr1:19,220,831, C>T on the plus strand (G>A on the coding strand, the complement: EMC1 is on the minus strand). VCF-style: chr1-19220831-C-T. GRCh37 (hg19) VCF-style: chr1-19547325-C-T.
Other names: c.2602G>A, p.Ala868Thr (NM_001271427.2, NM_001271428.2); c.2539G>A, p.Ala847Thr (NM_001271429.2); c.2614G>A, p.Ala872Thr (NM_001375820.1); c.2611G>A, p.Ala871Thr (NM_001375821.1); short protein forms A869T, A868T, A847T, A871T, A872T.
Identifiers: ClinVar variation 3685479 (VCV003685479.2).